The following is an entry in ClinVar:

ClinVar aggregate classification (germline): Uncertain significance (1 of 4 stars; one submission).

Conditions:
HNSHA due to aldolase A deficiency (GSD12). Also called: GLYCOGEN STORAGE DISEASE XII; GSD XII; RED CELL ALDOLASE DEFICIENCY; Glycogen storage disease due to aldolase A deficiency. Identifiers: Orphanet 57, MedGen C0272066, MONDO:0012747, OMIM 611881.

Allele frequency attached by ClinVar (database versions not stated): ExAC 0.00001.
gnomAD v4.1: 5 of 1,613,180 alleles (0.00031%); highest among the groups gnomAD compares: Middle Eastern, 0.017%; no homozygotes.

Submission:

Labcorp Genetics (formerly Invitae), Labcorp
Classification: Uncertain significance for HNSHA due to aldolase A deficiency. Last evaluated: 2023-08-10. Review status: criteria provided, single submitter. Criteria: Invitae Variant Classification Sherloc (09022015). Collection method: clinical testing. Allele origin: germline.
Comment: In summary, the available evidence is currently insufficient to determine the role of this variant in disease. Therefore, it has been classified as a Variant of Uncertain Significance. An algorithm developed to predict the effect of missense changes on protein structure and function (PolyPhen-2) suggests that this variant is likely to be tolerated. ClinVar contains an entry for this variant (Variation ID: 2069747). This variant has not been reported in the literature in individuals affected with ALDOA-related conditions. This variant is present in population databases (rs757047929, gnomAD 0.006%). This sequence change replaces arginine, which is basic and polar, with tryptophan, which is neutral and slightly polar, at codon 43 of the ALDOA protein (p.Arg43Trp).

NM_001243177.4(ALDOA):c.289C>T (p.Arg97Trp)

Genes: ALDOA (aldolase, fructose-bisphosphate A; plus strand), LOC112694756 (uncharaterized LOC112694756; plus strand). Cytogenetic location: 16p11.2.
Variant type: single nucleotide variant.
Coding change: c.289C>T on transcript NM_001243177.4 (MANE Select); coding-DNA position 289, C replaced by T.
Protein change: p.Arg97Trp; replaces arginine 97 with tryptophan.
Molecular consequence: missense variant. On other transcripts: 3 prime UTR variant (3).
Genome position (GRCh38, 1-based): chr16:30,067,464, C>T. VCF-style: chr16-30067464-C-T. GRCh37 (hg19) VCF-style: chr16-30078785-C-T.
Other names: c.*636C>T (NM_001365304.2, NM_001365305.2, NM_001365307.2); c.127C>T, p.Arg43Trp (NM_001127617.2, NM_184041.5, NM_184043.2); short protein forms R97W, R43W.
Identifiers: ClinVar variation 2069747 (VCV002069747.4), dbSNP rs757047929, ClinGen allele CA8000878.